The following is an entry in ClinVar:

ClinVar aggregate classification (germline): Uncertain significance. Review status: criteria provided, multiple submitters, no conflicts (2 of 4 stars). 2 submissions from 2 submitters: Uncertain significance (2). Last evaluated 2023-08-10.

Conditions:
Mucopolysaccharidosis, MPS-IV-A (MPS4A). Also called: Mucopolysaccharidosis type IV A; Mucopolysaccharidosis Type IVA; Morquio syndrome A, mild; MORQUIO SYNDROME A; MPS IVA; mucopolysaccharidosis type 4A. Identifiers: Orphanet 309297, Orphanet 582, MedGen C0086651, MONDO:0009659, OMIM 253000.

Submissions (2):

Women's Health and Genetics/Laboratory Corporation of America, LabCorp
Classification: Uncertain significance. Last evaluated: 2023-08-10. Review status: criteria provided, single submitter. Criteria: LabCorp Variant Classification Summary - May 2015. Collection method: clinical testing. Allele origin: germline.
Comment: Variant summary: GALNS c.917T>C (p.Phe306Ser) results in a non-conservative amino acid change located in the Sulfatase, N-terminal (IPR000917) of the encoded protein sequence. Five of five in-silico tools predict a damaging effect of the variant on protein function. The variant was absent in 250336 control chromosomes. c.917T>C has been reported in the literature in a heterozygous individual affected with Mucopolysaccharidosis Type IVA (Morquio Syndrome A) (He_2013). This report does not provide unequivocal conclusions about association of the variant with Mucopolysaccharidosis Type IVA (Morquio Syndrome A). To our knowledge, no experimental evidence demonstrating an impact on protein function has been reported. The following publication have been ascertained in the context of this evaluation (PMID: 24035930).One submitter has cited clinical-significance assessments for this variant to ClinVar after 2014 and has classified the variant as uncertain significance. Based on the evidence outlined above, the variant was classified as uncertain significance.

Laboratory of Diagnosis and Therapy of Lysosomal Disorders, University of Padova
Classification: Uncertain significance for Mucopolysaccharidosis, MPS-IV-A. Last evaluated: 2021-02-01. Review status: criteria provided, single submitter. Criteria: ACMG Guidelines, 2015. Collection method: curation. Allele origin: germline. Affected: yes.
Comment: Absent from gnomAD v2.1.1 (PM2_moderate); multiple lines of computational evidence support a deleterious effect on the gene (PP3_supporting)

Literature cited by the submitters: PubMed 24035930 (cited by Women's Health and Genetics/Laboratory Corporation of America, LabCorp and Laboratory of Diagnosis and Therapy of Lysosomal Disorders, University of Padova); PubMed 34387910 (cited by Laboratory of Diagnosis and Therapy of Lysosomal Disorders, University of Padova).

NM_000512.5(GALNS):c.917T>C (p.Phe306Ser)

Gene: GALNS (galactosamine (N-acetyl)-6-sulfatase; minus strand). Cytogenetic location: 16q24.3.
Variant type: single nucleotide variant.
Coding change: c.917T>C on transcript NM_000512.5 (MANE Select); coding-DNA position 917, T replaced by C.
Protein change: p.Phe306Ser; replaces phenylalanine 306 with serine.
Molecular consequence: missense variant.
Genome position (GRCh38, 1-based): chr16:88,832,083, A>G on the plus strand (T>C on the coding strand, the complement: GALNS is on the minus strand). VCF-style: chr16-88832083-A-G. GRCh37 (hg19) VCF-style: chr16-88898491-A-G.
Other names: c.362T>C, p.Phe121Ser (NM_001323543.2); c.935T>C, p.Phe312Ser (NM_001323544.2); c.917T>C (NM_000512.4); short protein forms F121S, F306S, F312S.
Identifiers: ClinVar variation 1048213 (VCV001048213.4), dbSNP rs759590432, ClinGen allele CA397101446.